The following is an entry in ClinVar:

NM_024422.6(DSC2):c.2456G>A (p.Cys819Tyr)

Gene: DSC2 (desmocollin 2; minus strand). Cytogenetic location: 18q12.1.
Variant type: single nucleotide variant.
Coding change: c.2456G>A on transcript NM_024422.6 (MANE Select); coding-DNA position 2456, G replaced by A.
Protein change: p.Cys819Tyr; replaces cysteine 819 with tyrosine.
Molecular consequence: missense variant.
Genome position (GRCh38, 1-based): chr18:31,068,946, C>T on the plus strand (G>A on the coding strand, the complement: DSC2 is on the minus strand). VCF-style: chr18-31068946-C-T. GRCh37 (hg19) VCF-style: chr18-28648912-C-T.
Other names: c.2456G>A, p.Cys819Tyr (NM_004949.5); short protein forms C819Y.
Identifiers: ClinVar variation 936571 (VCV000936571.10), dbSNP rs773961399, ClinGen allele CA036864.

ClinVar aggregate classification (germline): Uncertain significance. Review status: criteria provided, multiple submitters, no conflicts (2 of 4 stars). 3 submissions from 3 submitters: Uncertain significance (3). Last evaluated 2023-05-15.

Conditions:
Cardiovascular phenotype. Identifiers: MedGen CN230736.
Familial isolated arrhythmogenic right ventricular dysplasia. Identifiers: Orphanet 217656, MedGen C4274968, MONDO:0016342.
Arrhythmogenic right ventricular dysplasia 11. Also called: Arrhythmogenic Right Ventricular Dysplasia/Cardiomyopathy11; ARRHYTHMOGENIC RIGHT VENTRICULAR DYSPLASIA, FAMILIAL, 11; Arrhythmogenic right ventricular dysplasia 11 with mild palmoplantar keratoderma and woolly hair. Identifiers: MedGen C1864850, MONDO:0012506, OMIM 610476.

Allele frequency attached by ClinVar (database versions not stated): TOPMed below 0.00001; gnomAD exomes 0.00002 and below 0.00001; ExAC 0.00001.
gnomAD v4.1: 22 of 1,614,062 alleles (0.0014%); highest among the groups gnomAD compares: Non-Finnish European, 0.0018%; no homozygotes.

Submissions (3):

All of Us Research Program, National Institutes of Health
Classification: Uncertain significance for Familial isolated arrhythmogenic right ventricular dysplasia. Last evaluated: 2023-05-15. Review status: criteria provided, single submitter. Criteria: ACMG Guidelines, 2015. Collection method: clinical testing. Allele origin: germline. Inheritance: Autosomal dominant inheritance. Observed: 1 variant allele, 1 heterozygote.
Comment: This missense variant replaces cysteine with tyrosine at codon 819 of the DSC2 protein. Computational prediction suggests that this variant may not impact protein structure and function (internally defined REVEL score threshold <= 0.5, PMID: 27666373). To our knowledge, functional studies have not been reported for this variant. This variant has not been reported in individuals affected with DSC2-related disorders in the literature. This variant has been identified in 1/251188 chromosomes in the general population by the Genome Aggregation Database (gnomAD). The available evidence is insufficient to determine the role of this variant in disease conclusively. Therefore, this variant is classified as a Variant of Uncertain Significance.

This study involves interpretation of variants in research participants for the purpose of population health screening. Participant phenotype was not available at the time of variant classification. Additional details can be found in publication PMID: 35346344, PMCID: PMC8962531

Labcorp Genetics (formerly Invitae), Labcorp
Classification: Uncertain significance for Arrhythmogenic right ventricular dysplasia 11. Last evaluated: 2022-07-05. Review status: criteria provided, single submitter. Criteria: Invitae Variant Classification Sherloc (09022015). Collection method: clinical testing. Allele origin: germline.
Comment: In summary, the available evidence is currently insufficient to determine the role of this variant in disease. Therefore, it has been classified as a Variant of Uncertain Significance. Algorithms developed to predict the effect of missense changes on protein structure and function output the following: SIFT: "Tolerated"; PolyPhen-2: "Benign"; Align-GVGD: "Class C0". The tyrosine amino acid residue is found in multiple mammalian species, which suggests that this missense change does not adversely affect protein function. This sequence change replaces cysteine, which is neutral and slightly polar, with tyrosine, which is neutral and polar, at codon 819 of the DSC2 protein (p.Cys819Tyr). This variant is present in population databases (rs773961399, gnomAD 0.0009%). This variant has not been reported in the literature in individuals affected with DSC2-related conditions. ClinVar contains an entry for this variant (Variation ID: 936571).

Ambry Genetics
Classification: Uncertain significance for Cardiovascular phenotype. Last evaluated: 2019-09-20. Review status: criteria provided, single submitter. Criteria: Ambry Variant Classification Scheme 2023. Collection method: clinical testing. Allele origin: germline.
Comment: The p.C819Y variant (also known as c.2456G>A), located in coding exon 15 of the DSC2 gene, results from a G to A substitution at nucleotide position 2456. The cysteine at codon 819 is replaced by tyrosine, an amino acid with highly dissimilar properties. This amino acid position is not well conserved in available vertebrate species, and tyrosine is the reference amino acid in other vertebrate species. In addition, this alteration is predicted to be tolerated by in silico analysis. Since supporting evidence is limited at this time, the clinical significance of this alteration remains unclear.